The following is an entry in ClinVar:

NM_006070.6(TFG):c.278A>G (p.Gln93Arg)

Gene: TFG (trafficking from ER to golgi regulator; plus strand). Cytogenetic location: 3q12.2.
Variant type: single nucleotide variant.
Coding change: c.278A>G on transcript NM_006070.6 (MANE Select); coding-DNA position 278, A replaced by G.
Protein change: p.Gln93Arg; replaces glutamine 93 with arginine.
Molecular consequence: missense variant.
Genome position (GRCh38, 1-based): chr3:100,728,721, A>G. VCF-style: chr3-100728721-A-G. GRCh37 (hg19) VCF-style: chr3-100447565-A-G.
Other names: c.278A>G, p.Gln93Arg (NM_001007565.2, NM_001195478.2, NM_001195479.2); short protein forms Q93R.
Identifiers: ClinVar variation 3755938 (VCV003755938.2).

ClinVar aggregate classification (germline): Uncertain significance (1 of 4 stars; one submission).

Conditions:
Hereditary motor and sensory neuropathy, Okinawa type (HMSNO). Also called: HEREDITARY MOTOR AND SENSORY NEUROPATHY, PROXIMAL TYPE. Identifiers: Orphanet 90117, MedGen C1858338, MONDO:0011468, OMIM 604484.
Hereditary spastic paraplegia 57. Also called: Spastic paraplegia 57, autosomal recessive. Identifiers: Orphanet 431329, MedGen C3714897, MONDO:0014295, OMIM 615658.

Submission:

Labcorp Genetics (formerly Invitae), Labcorp
Classification: Uncertain significance for Hereditary motor and sensory neuropathy, Okinawa type; Hereditary spastic paraplegia 57. Last evaluated: 2024-04-18. Review status: criteria provided, single submitter. Criteria: Invitae Variant Classification Sherloc (09022015). Collection method: clinical testing. Allele origin: germline.
Comment: This sequence change replaces glutamine, which is neutral and polar, with arginine, which is basic and polar, at codon 93 of the TFG protein (p.Gln93Arg). This variant is not present in population databases (gnomAD no frequency). This variant has not been reported in the literature in individuals affected with TFG-related conditions. Advanced modeling of protein sequence and biophysical properties (such as structural, functional, and spatial information, amino acid conservation, physicochemical variation, residue mobility, and thermodynamic stability) performed at Invitae indicates that this missense variant is not expected to disrupt TFG protein function with a negative predictive value of 80%. In summary, the available evidence is currently insufficient to determine the role of this variant in disease. Therefore, it has been classified as a Variant of Uncertain Significance.